The following is an entry in ClinVar:

ClinVar aggregate classification (germline): Uncertain significance (1 of 4 stars; one submission).

Conditions:
Niemann-Pick disease, type C1. Also called: NIEMANN-PICK DISEASE, VARIANT TYPE C1; NEUROVISCERAL STORAGE DISEASE WITH VERTICAL SUPRANUCLEAR OPHTHALMOPLEGIA; NIEMANN-PICK DISEASE WITH CHOLESTEROL ESTERIFICATION BLOCK; NIEMANN-PICK DISEASE WITHOUT SPHINGOMYELINASE DEFICIENCY; NIEMANN-PICK DISEASE, CHRONIC NEURONOPATHIC FORM. Identifiers: Orphanet 646, MedGen C3179455, MONDO:0009757, OMIM 257220.

Allele frequency attached by ClinVar (database versions not stated): gnomAD exomes below 0.00001; gnomAD 0.00001; TOPMed 0.00001.
gnomAD v4.1: 3 of 1,613,754 alleles (0.00019%); highest among the groups gnomAD compares: Non-Finnish European, 0.00025%; no homozygotes.

Submission:

Labcorp Genetics (formerly Invitae), Labcorp
Classification: Uncertain significance for Niemann-Pick disease, type C1. Last evaluated: 2021-09-17. Review status: criteria provided, single submitter. Criteria: Invitae Variant Classification Sherloc (09022015). Collection method: clinical testing. Allele origin: germline.
Comment: This sequence change replaces aspartic acid with glutamic acid at codon 85 of the NPC1 protein (p.Asp85Glu). The aspartic acid residue is weakly conserved and there is a small physicochemical difference between aspartic acid and glutamic acid. This variant is not present in population databases (ExAC no frequency). This variant has not been reported in the literature in individuals with NPC1-related conditions. Advanced modeling of protein sequence and biophysical properties (such as structural, functional, and spatial information, amino acid conservation, physicochemical variation, residue mobility, and thermodynamic stability) performed at Invitae indicates that this missense variant is not expected to disrupt NPC1 protein function. In summary, the available evidence is currently insufficient to determine the role of this variant in disease. Therefore, it has been classified as a Variant of Uncertain Significance.

NM_000271.5(NPC1):c.255C>G (p.Asp85Glu)

Gene: NPC1 (NPC intracellular cholesterol transporter 1; minus strand). Cytogenetic location: 18q11.2.
Variant type: single nucleotide variant.
Coding change: c.255C>G on transcript NM_000271.5 (MANE Select); coding-DNA position 255, C replaced by G.
Protein change: p.Asp85Glu; replaces aspartic acid 85 with glutamic acid.
Molecular consequence: missense variant.
Genome position (GRCh38, 1-based): chr18:23,572,106, G>C on the plus strand (C>G on the coding strand, the complement: NPC1 is on the minus strand). VCF-style: chr18-23572106-G-C. GRCh37 (hg19) VCF-style: chr18-21152070-G-C.
Other names: short protein forms D85E.
Identifiers: ClinVar variation 1509189 (VCV001509189.5), dbSNP rs2059212616, ClinGen allele CA401786402.